The following is an entry in ClinVar:

NM_000336.3(SCNN1B):c.76C>A (p.Leu26Met)

Gene: SCNN1B (sodium channel epithelial 1 subunit beta; plus strand). Cytogenetic location: 16p12.2.
Variant type: single nucleotide variant.
Coding change: c.76C>A on transcript NM_000336.3 (MANE Select); coding-DNA position 76, C replaced by A.
Protein change: p.Leu26Met; replaces leucine 26 with methionine.
Molecular consequence: missense variant.
Genome position (GRCh38, 1-based): chr16:23,348,675, C>A. VCF-style: chr16-23348675-C-A. GRCh37 (hg19) VCF-style: chr16-23359996-C-A.
Other names: c.76C>A, p.Leu26Met (NM_001410900.1); short protein forms L26M.
Identifiers: ClinVar variation 3579951 (VCV003579951.2).

ClinVar aggregate classification (germline): Uncertain significance. Review status: criteria provided, multiple submitters, no conflicts (2 of 4 stars). 2 submissions from 2 submitters: Uncertain significance (2). Last evaluated 2025-06-12.

Conditions:
Bronchiectasis with or without elevated sweat chloride 1 (BESC1). Also called: Cystic Fibrosis-Like Syndrome. Identifiers: Orphanet 60033, MedGen C2749757, MONDO:0008887, OMIM 211400.
Pseudohypoaldosteronism, type IB2, autosomal recessive (PHA1B2). Identifiers: MedGen C5774255, MONDO:0859317, OMIM 620125.
Liddle syndrome 1 (LIDLS1). Also called: PSEUDOALDOSTERONISM. Identifiers: Orphanet 526, MedGen CN031472, MONDO:0020607, OMIM 177200.

Submissions (2):

Labcorp Genetics (formerly Invitae), Labcorp
Classification: Uncertain significance. Last evaluated: 2025-06-12. Review status: criteria provided, single submitter. Criteria: Invitae Variant Classification Sherloc (09022015). Collection method: clinical testing. Allele origin: germline.
Comment: This sequence change replaces leucine, which is neutral and non-polar, with methionine, which is neutral and non-polar, at codon 26 of the SCNN1B protein (p.Leu26Met). This variant is not present in population databases (gnomAD no frequency). This variant has not been reported in the literature in individuals affected with SCNN1B-related conditions. ClinVar contains an entry for this variant (Variation ID: 3579951). Invitae Evidence Modeling of protein sequence and biophysical properties (such as structural, functional, and spatial information, amino acid conservation, physicochemical variation, residue mobility, and thermodynamic stability) indicates that this missense variant is not expected to disrupt SCNN1B protein function with a negative predictive value of 80%. In summary, the available evidence is currently insufficient to determine the role of this variant in disease. Therefore, it has been classified as a Variant of Uncertain Significance.

Fulgent Genetics
Classification: Uncertain significance for Liddle syndrome 1; Bronchiectasis with or without elevated sweat chloride 1; Pseudohypoaldosteronism, type IB2, autosomal recessive. Last evaluated: 2024-02-19. Review status: criteria provided, single submitter. Criteria: ACMG Guidelines, 2015. Collection method: clinical testing. Allele origin: germline.